The following is an entry in ClinVar:

NM_000784.4(CYP27A1):c.1213C>T (p.Arg405Trp)

Gene: CYP27A1 (cytochrome P450 family 27 subfamily A member 1; plus strand). Cytogenetic location: 2q35.
Variant type: single nucleotide variant.
Coding change: c.1213C>T on transcript NM_000784.4 (MANE Select); coding-DNA position 1213, C replaced by T.
Protein change: p.Arg405Trp; replaces arginine 405 with tryptophan.
Molecular consequence: missense variant.
Genome position (GRCh38, 1-based): chr2:218,814,408, C>T. VCF-style: chr2-218814408-C-T. GRCh37 (hg19) VCF-style: chr2-219679131-C-T.
Other names: c.1213C>T; short protein forms R405W.
Identifiers: ClinVar variation 65838 (VCV000065838.33), dbSNP rs573951598, ClinGen allele CA345169.

ClinVar aggregate classification (germline): Pathogenic/Likely pathogenic. Review status: criteria provided, multiple submitters, no conflicts (2 of 4 stars). 13 submissions from 13 submitters: Pathogenic (9); Likely pathogenic (3). 1 of the submissions does not count toward it. Last evaluated 2025-12-31.

Conditions:
CYP27A1-related disorder. Also called: CYP27A1-related condition.
Cardiovascular phenotype. Identifiers: MedGen CN230736.
Cholestanol storage disease (CTX). Also called: Cerebrotendinous Xanthomatosis; CEREBRAL CHOLESTERINOSIS; CTX: Cerebrotendinous xanthomatosis. Identifiers: Orphanet 909, MedGen C0238052, MONDO:0008948, OMIM 213700.

Allele frequency attached by ClinVar (database versions not stated): gnomAD 0.00001; gnomAD exomes 0.00001; ExAC 0.00002; TOPMed 0.00002; 1000 Genomes Project 0.00020; 1000 Genomes Project 30x 0.00031.

Submissions (13):

Variantyx, Inc.
Classification: Likely pathogenic for Cholestanol storage disease. Last evaluated: 2025-12-31. Review status: criteria provided, single submitter. Criteria: Variantyx Assertion Criteria 2022. Collection method: clinical testing. Allele origin: germline. Inheritance: Autosomal recessive inheritance. Affected: yes.
Comment: This is a nonsynonymous variant in the CYP27A1 gene (OMIM: 606530). Pathogenic variants in this gene have been associated with autosomal recessive cerebrotendinous xanthomatosis. This variant has been identified in the homozygous or compound heterozygous state in several unrelated, affected individuals (PMID: 14999499, 21645175, 22197981, 34689324, 21345536), (PM3_Strong). An alternate amino acid change at this position (p.Arg405Gln) have been previously reported in similarly affected individuals, which suggests that this residue is biologically important (PM5), and multiple computational algorithms predict a deleterious effect for this variant (REVEL score: 0.888) (PP3). This variant has a 0.0033% maximum allele frequency in non-founder control populations (PM2). Based on the current evidence, this variant is classified as likely pathogenic for autosomal recessive cerebrotendinous xanthomatosis.

Dasa
Classification: Likely pathogenic. Last evaluated: 2025-12-19. Review status: criteria provided, single submitter. Criteria: DASA Assertion Criteria. Collection method: clinical testing. Allele origin: germline.
Comment: NM_000784.4(CYP27A1):c.1213C>T (p.Arg405Trp) is a missense variant that results in the substitution of arginine with tryptophan. This variant has been recurrently observed in individuals with related phenotype (PMID: 21645175; PMID: 34689324). Multiple computational predictions support a deleterious effect on the gene or gene product. The variant is present at low frequency in population datasets. Based on the available data, this variant is classified as likely pathogenic.

Labcorp Genetics (formerly Invitae), Labcorp
Classification: Pathogenic for Cholestanol storage disease. Last evaluated: 2025-11-23. Review status: criteria provided, single submitter. Criteria: Invitae Variant Classification Sherloc (09022015). Collection method: clinical testing. Allele origin: germline.
Comment: This sequence change replaces arginine, which is basic and polar, with tryptophan, which is neutral and slightly polar, at codon 405 of the CYP27A1 protein (p.Arg405Trp). This variant is present in population databases (rs573951598, gnomAD 0.003%). This missense change has been observed in individual(s) with cerebrotendinous xanthomatosis (PMID: 10775536, 14999499, 21645175). ClinVar contains an entry for this variant (Variation ID: 65838). Invitae Evidence Modeling of protein sequence and biophysical properties (such as structural, functional, and spatial information, amino acid conservation, physicochemical variation, residue mobility, and thermodynamic stability) indicates that this missense variant is expected to disrupt CYP27A1 protein function with a positive predictive value of 95%. This variant disrupts the p.Arg405 amino acid residue in CYP27A1. Other variant(s) that disrupt this residue have been determined to be pathogenic (PMID: 9186905, 28623566). This suggests that this residue is clinically significant, and that variants that disrupt this residue are likely to be disease-causing. For these reasons, this variant has been classified as Pathogenic.

Natera, Inc.
Classification: Pathogenic for Cerebrotendinous xanthomatosis. Last evaluated: 2025-08-29. Review status: criteria provided, single submitter. Criteria: Natera Variant Classification Schema (03/2026). Collection method: clinical testing. Allele origin: germline.
Comment: The c.1213C>T variant in CYP27A1 is a missense variant predicted to cause substitution of arginine to tryptophan at amino acid 405. This variant is rare in the general population with a frequency below the threshold expected for the associated phenotype(s). This variant has been observed in one or more individuals affected with the associated recessive disease, as either homozygous or compound heterozygous with a second variant (PMID: 34689324, 32488064, 21404287). Given the available evidence, this variant is classified as Pathogenic.

Women's Health and Genetics/Laboratory Corporation of America, LabCorp
Classification: Pathogenic for Cholestanol storage disease. Last evaluated: 2025-02-13. Review status: criteria provided, single submitter. Criteria: LabCorp Variant Classification Summary - May 2015. Collection method: clinical testing. Allele origin: germline.
Comment: Variant summary: CYP27A1 c.1213C>T (p.Arg405Trp) results in a non-conservative amino acid change in the encoded protein sequence. Five of five in-silico tools predict a damaging effect of the variant on protein function. The variant allele was found at a frequency of 1.2e-05 in 251478 control chromosomes. c.1213C>T has been reported in the literature in multiple individuals affected with Cerebrotendinous Xanthomatosis (e.g. Pilo_2011, Perez Maturo_2020, Badura-Stronka_2021). These data indicate that the variant is very likely to be associated with disease. Additionally, a different variant affecting the same codon has been classified as pathogenic by our lab (c.1214G>A, p.Arg405Gln), supporting the critical relevance of codon 405 to CYP27A1 protein function. The following publications have been ascertained in the context of this evaluation (PMID: 21404287, 32488064, 34689324). ClinVar contains an entry for this variant (Variation ID: 65838). Based on the evidence outlined above, the variant was classified as pathogenic.

Blueprint Genetics
Classification: Pathogenic for CYP27A1-related disorders. Last evaluated: 2024-11-26. Review status: criteria provided, single submitter. Criteria: ACMG Guidelines, 2015. Collection method: clinical testing. Allele origin: germline. Affected: yes. Observed: 5 variant alleles.

Ambry Genetics
Classification: Likely pathogenic for Cardiovascular phenotype. Last evaluated: 2024-08-23. Review status: criteria provided, single submitter. Criteria: Ambry Variant Classification Scheme 2023. Collection method: clinical testing. Allele origin: germline.
Comment: The p.R405W variant (also known as c.1213C>T), located in coding exon 7 of the CYP27A1 gene, results from a C to T substitution at nucleotide position 1213. The arginine at codon 405 is replaced by tryptophan, an amino acid with dissimilar properties. This alteration has been reported in several individuals with cerebrotendinous xanthomatosis, as either homozygous or compound heterozygous with an additional alteration in CYP27A1 (Verrips A et al. Brain, 2000 May;123:908-19; Bartholdi D et al. J Neurol, 2004 Jan;251:105-7; Pilo de la Fuente B et al. Neurologia, 2011 Sep;26:397-404; Huijgen R et al. Clin Genet, 2012 Jan;81:24-8; Kauffman MA et al. Am J Med Sci, 2012 Apr;343:332-3; Badura-Stronka M et al. Clin Genet, 2022 Feb;101:190-207). This variant is considered to be rare based on population cohorts in the Genome Aggregation Database (gnomAD). This amino acid position is highly conserved in available vertebrate species. In addition, this alteration is predicted to be deleterious by in silico analysis. Based on the majority of available evidence to date, this variant is likely to be pathogenic.

Fulgent Genetics
Classification: Pathogenic for Cholestanol storage disease. Last evaluated: 2024-06-13. Review status: criteria provided, single submitter. Criteria: ACMG Guidelines, 2015. Collection method: clinical testing. Allele origin: germline.

Institute of Medical Genetics and Applied Genomics, University Hospital Tübingen
Classification: Pathogenic. Last evaluated: 2020-10-23. Review status: criteria provided, single submitter. Criteria: ACMG Guidelines, 2015. Collection method: clinical testing. Allele origin: germline. Inheritance: Autosomal recessive inheritance. Affected: yes.

Illumina Laboratory Services, Illumina
Classification: Pathogenic for Cholestanol storage disease. Last evaluated: 2018-10-16. Review status: criteria provided, single submitter. Criteria: ICSL Variant Classification Criteria 09 May 2019. Collection method: clinical testing. Allele origin: germline.
Comment: The CYP27A1 c.1213C>T (p.Arg405Trp) variant has been reported in at least six studies and is found in a total of 13 probands with cerebrotendinous xanthomatosis including two in a homozygous state and 11 in a compound heterozygous state (Verrips et al. 2000; Bartholdi et al. 2004; Pilo et al. 2011; Pilo-de-la-Fuente et al. 2011; Kauffman et al. 2012; Huijgen et al. 2012). Eight of the compound heterozygous probands are from two families (Verrips et al. 2000; Bartholdi et al. 2004). The p.Arg405Trp variant is absent from 150 controls and is reported at a frequency of 0.00003 in the total population of the Exome Aggregation Consortium. Based on the evidence, the p.Arg405Trp variant is classified as pathogenic for cerebrotendinous xanthomatosis. This variant was observed by ICSL as part of a predisposition screen in an ostensibly healthy population.

Eurofins Ntd Llc (ga)
Classification: Pathogenic. Last evaluated: 2018-04-26. Review status: criteria provided, single submitter. Criteria: EGL ClinVar v180209 classification definitions. Collection method: clinical testing. Allele origin: germline. Observed: 2 variant alleles, 2 heterozygotes.

Juno Genomics, Hangzhou Juno Genomics, Inc
Classification: Pathogenic for Cholestanol storage disease. Review status: criteria provided, single submitter. Criteria: ACMG Guidelines, 2015. Collection method: clinical testing. Allele origin: germline.
Comment: Absent from controls (or at extremely low frequency if recessive) in Genome Aggregation Database.;Multiple lines of computational evidence support a deleterious effect on the gene or gene product.;For recessive disorders, detected in trans with a pathogenic variant.;Co-segregation with disease in multiple affected family members.

GeneReviews
Classification: Pathogenic for Cerebrotendinous Xanthomatosis. Last evaluated: 2013-08-01. Review status: no assertion criteria provided. Collection method: curation. Allele origin: unknown. Not counted in ClinVar's aggregate classification.
ClinVar note: Converted during submission from pathologic to Pathogenic.

Literature cited by the submitters: PubMed 14999499 (cited by 4 submitters); PubMed 21645175 (cited by 4 submitters); PubMed 22197981 (cited by 3 submitters); PubMed 34689324 (cited by 5 submitters); PubMed 21345536 (cited by Variantyx, Inc. and Ambry Genetics); PubMed 10775536 (cited by 3 submitters); PubMed 9186905 (cited by Labcorp Genetics (formerly Invitae), Labcorp); PubMed 28623566 (cited by Labcorp Genetics (formerly Invitae), Labcorp); PubMed 32488064 (cited by Natera, Inc. and Women's Health and Genetics/Laboratory Corporation of America, LabCorp); PubMed 21404287 (cited by 3 submitters); PubMed 21955034 (cited by Ambry Genetics and Illumina Laboratory Services, Illumina).